The following is an entry in ClinVar:

NM_003978.5(PSTPIP1):c.813C>T (p.Ala271=)

Gene: PSTPIP1 (proline-serine-threonine phosphatase interacting protein 1; plus strand). Cytogenetic location: 15q24.3.
Variant type: single nucleotide variant.
Coding change: c.813C>T on transcript NM_003978.5 (MANE Select); coding-DNA position 813, C replaced by T.
Protein change: p.Ala271=; no amino-acid change (alanine 271 retained).
Molecular consequence: synonymous variant.
Genome position (GRCh38, 1-based): chr15:77,032,369, C>T. VCF-style: chr15-77032369-C-T. GRCh37 (hg19) VCF-style: chr15-77324710-C-T.
Other names: c.813C>T, p.Ala271= (NM_001321135.2); c.786C>T, p.Ala262= (NM_001321136.2); c.1008C>T, p.Ala336= (NM_001321137.1).
Identifiers: ClinVar variation 669398 (VCV000669398.1), dbSNP rs1596127197, ClinGen allele CA491335955.
Genomic context (GRCh38, chr15:77,032,369, plus strand): 5'-AGTGCGGCTGACGCTGGAAGGCTGCAGCATAGACGCCGACATCGACAGTTTCATCCAGGC[C>T]AAGAGCACGGGCACAGAGCCCCCCGGTGAGGTCCGGCTTGCGGACAGCGCAGCCTCTAGG-3'
Protein context (NP_003969.2, residues 261-281): IDADIDSFIQ[Ala271=]KSTGTEPPAP

ClinVar aggregate classification (germline): Likely benign (1 of 4 stars; one submission).

Submission:

GeneDx
Classification: Likely benign. Last evaluated: 2018-06-14. Review status: criteria provided, single submitter. Criteria: GeneDx Variant Classification (06012015). Collection method: clinical testing. Allele origin: germline. Affected: yes.
Comment: This variant is considered likely benign or benign based on one or more of the following criteria: it is a conservative change, it occurs at a poorly conserved position in the protein, it is predicted to be benign by multiple in silico algorithms, and/or has population frequency not consistent with disease.